The following is an entry in ClinVar:

NM_001244008.2(KIF1A):c.1269G>A (p.Ala423=)

Gene: KIF1A (kinesin family member 1A; minus strand). Cytogenetic location: 2q37.3.
Variant type: single nucleotide variant.
Coding change: c.1269G>A on transcript NM_001244008.2 (MANE Select); coding-DNA position 1269, G replaced by A.
Protein change: p.Ala423=; no amino-acid change (alanine 423 retained).
Molecular consequence: synonymous variant.
Genome position (GRCh38, 1-based): chr2:240,771,043, C>T on the plus strand (G>A on the coding strand, the complement: KIF1A is on the minus strand). VCF-style: chr2-240771043-C-T. GRCh37 (hg19) VCF-style: chr2-241710460-C-T.
Other names: c.1269G>A, p.Ala423= (NM_001320705.2, NM_001330289.2, NM_001379638.1); c.1344G>A, p.Ala448= (NM_001330290.2, NM_001379631.1, NM_001379634.1 and 2 more transcripts); c.1242G>A, p.Ala414= (NM_001379632.1, NM_001379633.1, NM_001379636.1 and 10 more transcripts); c.1317G>A, p.Ala439= (NM_001379637.1, NM_001379648.1).
Identifiers: ClinVar variation 515066 (VCV000515066.13), dbSNP rs530550994, ClinGen allele CA2208463.

ClinVar aggregate classification (germline): Likely benign. Review status: criteria provided, multiple submitters, no conflicts (2 of 4 stars). 5 submissions from 5 submitters: Likely benign (5). Last evaluated 2026-07-01.

Conditions:
Inborn genetic diseases. Identifiers: MedGen C0950123, MeSH D030342.
Intellectual disability, autosomal dominant 9 (NESCAVS). Also called: KIF1A-Related Neurodevelopmental Disorder; NESCAV SYNDROME. Identifiers: Orphanet 662367, MedGen C5393830, MONDO:0013656, OMIM 614255.
Neuropathy, hereditary sensory, type 2C. Also called: Hereditary sensory and autonomic neuropathy type IIC; KIF1A-Related HSAN2 (HSAN2C). Identifiers: Orphanet 970, MedGen C3280168, MONDO:0013634, OMIM 614213.
Hereditary spastic paraplegia 30. Identifiers: Orphanet 101010, MedGen C5235139, MONDO:0012476.

Allele frequency attached by ClinVar (database versions not stated): gnomAD exomes 0.00001 and 0.00002; TOPMed 0.00002; ExAC 0.00003.
gnomAD v4.1: 19 of 1,613,288 alleles (0.0012%); highest among the groups gnomAD compares: South Asian, 0.0066%; no homozygotes.

Submissions (5):

CeGaT Center for Human Genetics Tuebingen
Classification: Likely benign. Last evaluated: 2026-07-01. Review status: criteria provided, single submitter. Criteria: CeGaT Center For Human Genetics Tuebingen Variant Classification Criteria Version 2. Collection method: clinical testing. Allele origin: germline. Affected: yes. Observed: 1 variant allele.
Comment: KIF1A: BP4, BP7

Labcorp Genetics (formerly Invitae), Labcorp
Classification: Likely benign for Hereditary spastic paraplegia 30; Neuropathy, hereditary sensory, type 2C; Intellectual disability, autosomal dominant 9. Last evaluated: 2024-11-27. Review status: criteria provided, single submitter. Criteria: Invitae Variant Classification Sherloc (09022015). Collection method: clinical testing. Allele origin: germline.

Blueprint Genetics
Classification: Likely benign. Last evaluated: 2024-01-22. Review status: criteria provided, single submitter. Criteria: ACMG Guidelines, 2015. Collection method: clinical testing. Allele origin: germline.

Ambry Genetics
Classification: Likely benign for Inborn genetic diseases. Last evaluated: 2019-07-11. Review status: criteria provided, single submitter. Criteria: Ambry Variant Classification Scheme 2023. Collection method: clinical testing. Allele origin: germline.

GeneDx
Classification: Likely benign. Last evaluated: 2018-01-30. Review status: criteria provided, single submitter. Criteria: GeneDx Variant Classification (06012015). Collection method: clinical testing. Allele origin: germline. Affected: yes.
Comment: This variant is considered likely benign or benign based on one or more of the following criteria: it is a conservative change, it occurs at a poorly conserved position in the protein, it is predicted to be benign by multiple in silico algorithms, and/or has population frequency not consistent with disease.